The following is an entry in ClinVar:

NM_001123385.2(BCOR):c.2598C>T (p.His866=)

Gene: BCOR (BCL6 corepressor; minus strand). Cytogenetic location: Xp11.4.
Variant type: single nucleotide variant.
Coding change: c.2598C>T on transcript NM_001123385.2 (MANE Select); coding-DNA position 2598, C replaced by T.
Protein change: p.His866=; no amino-acid change (histidine 866 retained).
Molecular consequence: synonymous variant.
Genome position (GRCh38, 1-based): chrX:40,072,748, G>A on the plus strand (C>T on the coding strand, the complement: BCOR is on the minus strand). VCF-style: chrX-40072748-G-A. GRCh37 (hg19) VCF-style: chrX-39932001-G-A.
Other names: c.2598C>T, p.His866= (NM_001123383.2, NM_001123384.2, NM_017745.6).
Identifiers: ClinVar variation 701000 (VCV000701000.34), dbSNP rs778532489, ClinGen allele CA10386766.

ClinVar aggregate classification (germline): Benign/Likely benign. Review status: criteria provided, multiple submitters, no conflicts (2 of 4 stars). 2 submissions from 2 submitters: Benign (1); Likely benign (1). Last evaluated 2022-05-01.

Allele frequency attached by ClinVar (database versions not stated): gnomAD 0.00004; TOPMed 0.00007; gnomAD exomes 0.00011 and 0.00012; ExAC 0.00019.
gnomAD v4.1: 135 of 1,210,030 alleles (0.011%); highest among the groups gnomAD compares: Non-Finnish European, 0.013%; 1 homozygote.

Submissions (2):

CeGaT Center for Human Genetics Tuebingen
Classification: Likely benign. Last evaluated: 2022-05-01. Review status: criteria provided, single submitter. Criteria: CeGaT Center For Human Genetics Tuebingen Variant Classification Criteria Version 2. Collection method: clinical testing. Allele origin: germline. Affected: yes. Observed: 1 variant allele.
Comment: BCOR: BP4, BP7

Labcorp Genetics (formerly Invitae), Labcorp
Classification: Benign. Last evaluated: 2018-09-06. Review status: criteria provided, single submitter. Criteria: Invitae Variant Classification Sherloc (09022015). Collection method: clinical testing. Allele origin: germline.